The following is an entry in ClinVar:

NM_182961.4(SYNE1):c.9755A>G (p.His3252Arg)

Gene: SYNE1 (spectrin repeat containing nuclear envelope protein 1; minus strand). Cytogenetic location: 6q25.2.
Variant type: single nucleotide variant.
Coding change: c.9755A>G on transcript NM_182961.4 (MANE Select); coding-DNA position 9755, A replaced by G.
Protein change: p.His3252Arg; replaces histidine 3252 with arginine.
Molecular consequence: missense variant.
Genome position (GRCh38, 1-based): chr6:152,369,024, T>C on the plus strand (A>G on the coding strand, the complement: SYNE1 is on the minus strand). VCF-style: chr6-152369024-T-C. GRCh37 (hg19) VCF-style: chr6-152690159-T-C.
Other names: c.9776A>G, p.His3259Arg (NM_033071.5); short protein forms H3252R, H3259R.
Identifiers: ClinVar variation 1327243 (VCV001327243.2), dbSNP rs1393231277, ClinGen allele CA366137298.

ClinVar aggregate classification (germline): Uncertain significance (1 of 4 stars; one submission).

Allele frequency attached by ClinVar (database versions not stated): gnomAD exomes 0.00001.
gnomAD v4.1: 15 of 1,614,206 alleles (0.00093%); highest among the groups gnomAD compares: Middle Eastern, 0.16%; no homozygotes.

Submission:

GeneDx
Classification: Uncertain significance. Last evaluated: 2021-11-22. Review status: criteria provided, single submitter. Criteria: GeneDx Variant Classification Process June 2021. Collection method: clinical testing. Allele origin: germline. Affected: yes.
Comment: In silico analysis supports that this missense variant has a deleterious effect on protein structure/function; Has not been previously published as pathogenic or benign to our knowledge